The following is an entry in ClinVar:

NM_018012.4(KIF26B):c.1735C>G (p.Leu579Val)

Gene: KIF26B (kinesin family member 26B; plus strand). Cytogenetic location: 1q44.
Variant type: single nucleotide variant.
Coding change: c.1735C>G on transcript NM_018012.4 (MANE Select); coding-DNA position 1735, C replaced by G.
Protein change: p.Leu579Val; replaces leucine 579 with valine.
Molecular consequence: missense variant.
Genome position (GRCh38, 1-based): chr1:245,609,349, C>G. VCF-style: chr1-245609349-C-G. GRCh37 (hg19) VCF-style: chr1-245772651-C-G.
Other names: NC_000001.10:g.245772651C>G; short protein forms L579V.
Identifiers: ClinVar variation 3060756 (VCV003060756.3), dbSNP rs61754955, ClinGen allele CA1487770.

ClinVar aggregate classification (germline): Benign (0 of 4 stars; one submission).

Conditions:
KIF26B-related disorder. Also called: KIF26B-related condition.

Allele frequency attached by ClinVar (database versions not stated): ESP Exome Variant Server 0.01504; gnomAD exomes 0.02036; 1000 Genomes Project 0.02137; gnomAD 0.02294; 1000 Genomes Project 30x 0.02295; TOPMed 0.02458; ExAC 0.03732.
gnomAD v4.1: 33,100 of 1,610,506 alleles (2.1%); highest among the groups gnomAD compares: Admixed American, 10%; 622 homozygotes.

Submissions (16):

PreventionGenetics, part of Exact Sciences
Classification: Benign for KIF26B-related condition. Last evaluated: 2020-02-05. Review status: no assertion criteria provided. Collection method: clinical testing. Allele origin: germline.
Comment: This variant is classified as benign based on ACMG/AMP sequence variant interpretation guidelines (Richards et al. 2015 PMID: 25741868, with internal and published modifications).

Dr. Peter K. Rogan Lab, Western University
No classification provided (evidence only). Condition: Lung cancer. Review status: no classification provided. Collection method: in vitro. Allele origin: not applicable. Functional consequence: retained intron. Not counted in ClinVar's aggregate classification.

Dr. Peter K. Rogan Lab, Western University
No classification provided (evidence only). Condition: Melanoma. Review status: no classification provided. Collection method: in vitro. Allele origin: not applicable. Functional consequence: retained intron. Not counted in ClinVar's aggregate classification.

Dr. Peter K. Rogan Lab, Western University
No classification provided (evidence only). Condition: Melanoma. Review status: no classification provided. Collection method: in vitro. Allele origin: not applicable. Functional consequence: retained intron. Not counted in ClinVar's aggregate classification.

Dr. Peter K. Rogan Lab, Western University
No classification provided (evidence only). Condition: Melanoma. Review status: no classification provided. Collection method: in vitro. Allele origin: not applicable. Functional consequence: retained intron. Not counted in ClinVar's aggregate classification.

Dr. Peter K. Rogan Lab, Western University
No classification provided (evidence only). Condition: Colon adenocarcinoma. Review status: no classification provided. Collection method: in vitro. Allele origin: not applicable. Functional consequence: retained intron. Not counted in ClinVar's aggregate classification.

Dr. Peter K. Rogan Lab, Western University
No classification provided (evidence only). Condition: Colorectal cancer. Review status: no classification provided. Collection method: in vitro. Allele origin: not applicable. Functional consequence: retained intron. Not counted in ClinVar's aggregate classification.

Dr. Peter K. Rogan Lab, Western University
No classification provided (evidence only). Condition: Colorectal cancer. Review status: no classification provided. Collection method: in vitro. Allele origin: not applicable. Functional consequence: retained intron. Not counted in ClinVar's aggregate classification.

Dr. Peter K. Rogan Lab, Western University
No classification provided (evidence only). Condition: Cervical cancer. Review status: no classification provided. Collection method: in vitro. Allele origin: not applicable. Functional consequence: retained intron. Not counted in ClinVar's aggregate classification.

Dr. Peter K. Rogan Lab, Western University
No classification provided (evidence only). Condition: Hepatocellular carcinoma. Review status: no classification provided. Collection method: in vitro. Allele origin: not applicable. Functional consequence: retained intron. Not counted in ClinVar's aggregate classification.

Dr. Peter K. Rogan Lab, Western University
No classification provided (evidence only). Condition: Hepatocellular carcinoma. Review status: no classification provided. Collection method: in vitro. Allele origin: not applicable. Functional consequence: retained intron. Not counted in ClinVar's aggregate classification.

Dr. Peter K. Rogan Lab, Western University
No classification provided (evidence only). Condition: Hepatocellular carcinoma. Review status: no classification provided. Collection method: in vitro. Allele origin: not applicable. Functional consequence: retained intron. Not counted in ClinVar's aggregate classification.

Dr. Peter K. Rogan Lab, Western University
No classification provided (evidence only). Condition: Cholangiocarcinoma. Review status: no classification provided. Collection method: in vitro. Allele origin: not applicable. Functional consequence: retained intron. Not counted in ClinVar's aggregate classification.

Dr. Peter K. Rogan Lab, Western University
No classification provided (evidence only). Condition: Ovarian serous cystadenocarcinoma. Review status: no classification provided. Collection method: in vitro. Allele origin: not applicable. Functional consequence: retained intron. Not counted in ClinVar's aggregate classification.

Dr. Peter K. Rogan Lab, Western University
No classification provided (evidence only). Condition: Adrenocortical carcinoma, hereditary. Review status: no classification provided. Collection method: in vitro. Allele origin: not applicable. Functional consequence: retained intron. Not counted in ClinVar's aggregate classification.

Dr. Peter K. Rogan Lab, Western University
No classification provided (evidence only). Condition: Malignant tumor of esophagus. Review status: no classification provided. Collection method: in vitro. Allele origin: not applicable. Functional consequence: retained intron. Not counted in ClinVar's aggregate classification.